The following is an entry in ClinVar:

ClinVar aggregate classification (germline): Uncertain significance. Review status: criteria provided, multiple submitters, no conflicts (2 of 4 stars). 4 submissions from 4 submitters: Uncertain significance (4). Last evaluated 2026-07-28.

Conditions:
NLRP3-related disorder. Also called: NLRP3-related condition; NLRP3-Related Disorders.
Cryopyrin associated periodic syndrome (CAPS). Identifiers: Orphanet 208650, MedGen C2316212, MONDO:0016168.

Allele frequency attached by ClinVar (database versions not stated): gnomAD 0.00001; gnomAD exomes 0.00001.
gnomAD v4.1: 21 of 1,613,940 alleles (0.0013%); highest among the groups gnomAD compares: East Asian, 0.0089%; no homozygotes.

Submissions (4):

PreventionGenetics, part of Exact Sciences
Classification: Uncertain significance for NLRP3-related condition. Last evaluated: 2026-07-28. Review status: criteria provided, single submitter. Criteria: ACMG Guidelines, 2015. Collection method: clinical testing. Allele origin: germline.
Comment: The NLRP3 c.734C>T variant is predicted to result in the amino acid substitution p.Ser245Leu. To our knowledge, this variant has not been reported in the literature or in a large population database (gnomAD), indicating this variant is rare. At this time, the clinical significance of this variant is uncertain due to the absence of conclusive functional and genetic evidence.

Labcorp Genetics (formerly Invitae), Labcorp
Classification: Uncertain significance for Cryopyrin associated periodic syndrome. Last evaluated: 2025-11-12. Review status: criteria provided, single submitter. Criteria: Invitae Variant Classification Sherloc (09022015). Collection method: clinical testing. Allele origin: germline.
Comment: This sequence change replaces serine, which is neutral and polar, with leucine, which is neutral and non-polar, at codon 245 of the NLRP3 protein (p.Ser245Leu). This variant is not present in population databases (gnomAD no frequency). This variant has not been reported in the literature in individuals affected with NLRP3-related conditions. ClinVar contains an entry for this variant (Variation ID: 1396435). Invitae Evidence Modeling of protein sequence and biophysical properties (such as structural, functional, and spatial information, amino acid conservation, physicochemical variation, residue mobility, and thermodynamic stability) indicates that this missense variant is not expected to disrupt NLRP3 protein function with a negative predictive value of 95%. In summary, the available evidence is currently insufficient to determine the role of this variant in disease. Therefore, it has been classified as a Variant of Uncertain Significance.

Blueprint Genetics
Classification: Uncertain significance. Last evaluated: 2024-09-19. Review status: criteria provided, single submitter. Criteria: ACMG Guidelines, 2015. Collection method: clinical testing. Allele origin: germline.

GeneDx
Classification: Uncertain significance. Last evaluated: 2022-11-20. Review status: criteria provided, single submitter. Criteria: GeneDx Variant Classification Process June 2021. Collection method: clinical testing. Allele origin: germline. Affected: yes.
Comment: Not observed at significant frequency in large population cohorts (gnomAD); In silico analysis supports that this missense variant has a deleterious effect on protein structure/function; Has not been previously published as pathogenic or benign to our knowledge; This variant is associated with the following publications: (PMID: 19302049)

NM_001243133.2(NLRP3):c.728C>T (p.Ser243Leu)

Gene: NLRP3 (NLR family pyrin domain containing 3; plus strand). Cytogenetic location: 1q44.
Variant type: single nucleotide variant.
Coding change: c.728C>T on transcript NM_001243133.2 (MANE Select); coding-DNA position 728, C replaced by T.
Protein change: p.Ser243Leu; replaces serine 243 with leucine.
Molecular consequence: missense variant.
Genome position (GRCh38, 1-based): chr1:247,424,177, C>T. VCF-style: chr1-247424177-C-T. GRCh37 (hg19) VCF-style: chr1-247587479-C-T.
Other names: c.734C>T (NM_004895.4); c.728C>T, p.Ser243Leu (NM_001079821.3, NM_001127461.3, NM_001127462.3 and 1 more transcripts); c.734C>T, p.Ser245Leu (NM_004895.5); short protein forms S243L, S245L.
Identifiers: ClinVar variation 1396435 (VCV001396435.8), dbSNP rs1572168591, ClinGen allele CA345555298.